The following is an entry in ClinVar:

ClinVar aggregate classification (germline): Uncertain significance. Review status: criteria provided, multiple submitters, no conflicts (2 of 4 stars). 2 submissions from 2 submitters: Uncertain significance (2). Last evaluated 2025-03-19.

Conditions:
Inborn genetic diseases. Identifiers: MedGen C0950123, MeSH D030342.
Pontocerebellar atrophy. Identifiers: MedGen C1853766, HP:0006879.

Allele frequency attached by ClinVar (database versions not stated): ExAC 0.00001; gnomAD exomes 0.00001 and 0.00002; TOPMed 0.00001.

Submissions (2):

Labcorp Genetics (formerly Invitae), Labcorp
Classification: Uncertain significance. Last evaluated: 2025-03-19. Review status: criteria provided, single submitter. Criteria: Invitae Variant Classification Sherloc (09022015). Collection method: clinical testing. Allele origin: germline.
Comment: This sequence change replaces valine, which is neutral and non-polar, with isoleucine, which is neutral and non-polar, at codon 172 of the EXOSC9 protein (p.Val172Ile). This variant is present in population databases (rs752092031, gnomAD 0.003%). This variant has not been reported in the literature in individuals affected with EXOSC9-related conditions. ClinVar contains an entry for this variant (Variation ID: 1417506). Invitae Evidence Modeling of protein sequence and biophysical properties (such as structural, functional, and spatial information, amino acid conservation, physicochemical variation, residue mobility, and thermodynamic stability) indicates that this missense variant is not expected to disrupt EXOSC9 protein function with a negative predictive value of 80%. In summary, the available evidence is currently insufficient to determine the role of this variant in disease. Therefore, it has been classified as a Variant of Uncertain Significance.

Ambry Genetics
Classification: Uncertain significance for Inborn genetic diseases. Last evaluated: 2025-03-18. Review status: criteria provided, single submitter. Criteria: Ambry Variant Classification Scheme 2023. Collection method: clinical testing. Allele origin: germline.

NM_005033.3(EXOSC9):c.514G>A (p.Val172Ile)

Gene: EXOSC9 (exosome component 9; plus strand). Cytogenetic location: 4q27.
Variant type: single nucleotide variant.
Coding change: c.514G>A on transcript NM_005033.3 (MANE Select); coding-DNA position 514, G replaced by A.
Protein change: p.Val172Ile; replaces valine 172 with isoleucine.
Molecular consequence: missense variant.
Genome position (GRCh38, 1-based): chr4:121,804,751, G>A. VCF-style: chr4-121804751-G-A. GRCh37 (hg19) VCF-style: chr4-122725906-G-A.
Other names: c.514G>A (NM_001034194.1); c.514G>A, p.Val172Ile (NM_001034194.2); short protein forms V172I.
Identifiers: ClinVar variation 1417506 (VCV001417506.6), dbSNP rs752092031, ClinGen allele CA3063420.
Genomic context (GRCh38, chr4:121,804,751, plus strand): 5'-GCTGCAATCGTGGCCTTATGTCATTTCCGAAGACCTGATGTCTCTGTCCAAGGAGATGAA[G>A]TAACACTGGTAAGCTCCTATGTGAACCAGGATCCTTGATATGAATGAATGAGGAGGGTCT-3'
Protein context (NP_005024.2, residues 162-182): RPDVSVQGDE[Val172Ile]TLYTPEERDP